The following is an entry in ClinVar:

NM_006642.5(SDCCAG8):c.1094G>C (p.Arg365Thr)

Gene: SDCCAG8 (SHH signaling and ciliogenesis regulator SDCCAG8; plus strand). Cytogenetic location: 1q43.
Variant type: single nucleotide variant.
Coding change: c.1094G>C on transcript NM_006642.5 (MANE Select); coding-DNA position 1094, G replaced by C.
Protein change: p.Arg365Thr; replaces arginine 365 with threonine.
Molecular consequence: missense variant.
Genome position (GRCh38, 1-based): chr1:243,330,565, G>C. VCF-style: chr1-243330565-G-C. GRCh37 (hg19) VCF-style: chr1-243493867-G-C.
Other names: c.191G>C, p.Arg64Thr (NM_001350246.2, NM_001350247.2, NM_001350251.2); c.1190G>C, p.Arg397Thr (NM_001350248.2); c.800G>C, p.Arg267Thr (NM_001350249.2); short protein forms R365T, R267T, R64T, R397T.
Identifiers: ClinVar variation 436677 (VCV000436677.20), dbSNP rs115098969, ClinGen allele CA1483554.

ClinVar aggregate classification (germline): Benign/Likely benign. Review status: criteria provided, multiple submitters, no conflicts (2 of 4 stars). 5 submissions from 5 submitters: Benign (1); Likely benign (3). 1 of the submissions does not count toward it. Last evaluated 2026-01-27.

Conditions:
Senior-Loken syndrome 7 (SLSN7). Identifiers: Orphanet 3156, MedGen C3150877, MONDO:0013326, OMIM 613615.
Bardet-Biedl syndrome 16 (BBS16). Identifiers: Orphanet 110, MedGen C3889474, MONDO:0014444, OMIM 615993.
SDCCAG8-related disorder. Also called: SDCCAG8-Related Disorders; SDCCAG8-related condition.

Allele frequency attached by ClinVar (database versions not stated): TOPMed 0.00037.

Submissions (5):

Labcorp Genetics (formerly Invitae), Labcorp
Classification: Benign for Bardet-Biedl syndrome 16; Senior-Loken syndrome 7. Last evaluated: 2026-01-27. Review status: criteria provided, single submitter. Criteria: Invitae Variant Classification Sherloc (09022015). Collection method: clinical testing. Allele origin: germline.

Blueprint Genetics
Classification: Likely benign. Last evaluated: 2022-09-23. Review status: criteria provided, single submitter. Criteria: ACMG Guidelines, 2015. Collection method: clinical testing. Allele origin: germline.

Genetic Services Laboratory, University of Chicago
Classification: Likely benign. Last evaluated: 2016-10-18. Review status: criteria provided, single submitter. Criteria: ACMG Guidelines, 2015. Collection method: clinical testing. Allele origin: germline. Affected: no.

Breakthrough Genomics
Classification: Likely benign. Review status: criteria provided, single submitter. Criteria: ACMG Guidelines, 2015. Collection method: not provided. Allele origin: germline. Inheritance: Autosomal recessive inheritance. Affected: yes.

PreventionGenetics, part of Exact Sciences
Classification: Benign for SDCCAG8-related condition. Last evaluated: 2021-01-22. Review status: no assertion criteria provided. Collection method: clinical testing. Allele origin: germline. Not counted in ClinVar's aggregate classification.
Comment: This variant is classified as benign based on ACMG/AMP sequence variant interpretation guidelines (Richards et al. 2015 PMID: 25741868, with internal and published modifications).